The following is an entry in ClinVar:

NM_003922.4(HERC1):c.10482G>C (p.Trp3494Cys)

Gene: HERC1 (HECT and RLD domain containing E3 ubiquitin protein ligase family member 1; minus strand). Cytogenetic location: 15q22.31.
Variant type: single nucleotide variant.
Coding change: c.10482G>C on transcript NM_003922.4 (MANE Select); coding-DNA position 10482, G replaced by C.
Protein change: p.Trp3494Cys; replaces tryptophan 3494 with cysteine.
Molecular consequence: missense variant.
Genome position (GRCh38, 1-based): chr15:63,651,317, C>G on the plus strand (G>C on the coding strand, the complement: HERC1 is on the minus strand). VCF-style: chr15-63651317-C-G. GRCh37 (hg19) VCF-style: chr15-63943516-C-G.
Other names: short protein forms W3494C.
Identifiers: ClinVar variation 4858343 (VCV004858343.1).

ClinVar aggregate classification (germline): Uncertain significance (1 of 4 stars; one submission).

Conditions:
Inborn genetic diseases. Identifiers: MedGen C0950123, MeSH D030342.

gnomAD v4.1: 17 of 1,613,698 alleles (0.0011%); highest among the groups gnomAD compares: Non-Finnish European, 0.0014%; no homozygotes.

Submission:

Ambry Genetics
Classification: Uncertain significance for Inborn genetic diseases. Last evaluated: 2026-05-12. Review status: criteria provided, single submitter. Criteria: Ambry Variant Classification Scheme 2023. Collection method: clinical testing. Allele origin: germline.
Comment: The c.10482G>C (p.W3494C) alteration is located in exon 53 (coding exon 52) of the HERC1 gene. This alteration results from a G to C substitution at nucleotide position 10482, causing the tryptophan (W) at amino acid position 3494 to be replaced by a cysteine (C). Based on data from gnomAD, the C allele has an overall frequency of 0.001% (4/280192) total alleles studied. The highest observed frequency was 0.003% (4/128118) of European (non-Finnish) alleles. Based on insufficient or conflicting evidence, the clinical significance of this alteration remains unclear.